The following is an entry in ClinVar:

ClinVar aggregate classification (germline): Uncertain significance (1 of 4 stars; one submission).

Allele frequency attached by ClinVar (database versions not stated): TOPMed below 0.00001; gnomAD 0.00001.
gnomAD v4.1: 1 of 1,613,638 alleles (0.000062%); highest among the groups gnomAD compares: Non-Finnish European, 0.000085%; no homozygotes.

Submission:

Labcorp Genetics (formerly Invitae), Labcorp
Classification: Uncertain significance. Last evaluated: 2021-02-17. Review status: criteria provided, single submitter. Criteria: Invitae Variant Classification Sherloc (09022015). Collection method: clinical testing. Allele origin: germline.
Comment: This sequence change replaces serine with phenylalanine at codon 126 of the COL18A1 protein (p.Ser126Phe). The serine residue is moderately conserved and there is a large physicochemical difference between serine and phenylalanine. This variant is not present in population databases (ExAC no frequency). This variant has not been reported in the literature in individuals with COL18A1-related conditions. Experimental studies and prediction algorithms are not available or were not evaluated, and the functional significance of this variant is currently unknown. In summary, the available evidence is currently insufficient to determine the role of this variant in disease. Therefore, it has been classified as a Variant of Uncertain Significance.

NM_001379500.1(COL18A1):c.377C>T (p.Ser126Phe)

Gene: COL18A1 (collagen type XVIII alpha 1 chain; plus strand). Cytogenetic location: 21q22.3.
Variant type: single nucleotide variant.
Coding change: c.377C>T on transcript NM_001379500.1 (MANE Select); coding-DNA position 377, C replaced by T.
Protein change: p.Ser126Phe; replaces serine 126 with phenylalanine.
Molecular consequence: missense variant.
Genome position (GRCh38, 1-based): chr21:45,468,512, C>T. VCF-style: chr21-45468512-C-T. GRCh37 (hg19) VCF-style: chr21-46888426-C-T.
Other names: c.917C>T, p.Ser306Phe (NM_030582.4); c.1622C>T, p.Ser541Phe (NM_130444.3); short protein forms S126F, S306F, S541F.
Identifiers: ClinVar variation 1511419 (VCV001511419.1), dbSNP rs867910077, ClinGen allele CA321906148.
Genomic context (GRCh38, chr21:45,468,512, plus strand): 5'-GGGTGCTGTTCGCCATCACGGACTCGGCGCAGGCCATGGTCTTGCTGGGCGTGAAGCTCT[C>T]TGGGGTGCAGGACGGGCACCAGGACATCTCCCTGCTCTACACAGAACCAGGTGCAGGCCA-3'
Protein context (NP_001366429.1, residues 116-136): QAMVLLGVKL[Ser126Phe]GVQDGHQDIS